The following is an entry in ClinVar:

NM_002796.3(PSMB4):c.67C>T (p.Arg23Cys)

Gene: PSMB4 (proteasome 20S subunit beta 4; plus strand). Cytogenetic location: 1q21.3.
Variant type: single nucleotide variant.
Coding change: c.67C>T on transcript NM_002796.3 (MANE Select); coding-DNA position 67, C replaced by T.
Protein change: p.Arg23Cys; replaces arginine 23 with cysteine.
Molecular consequence: missense variant.
Genome position (GRCh38, 1-based): chr1:151,399,654, C>T. VCF-style: chr1-151399654-C-T. GRCh37 (hg19) VCF-style: chr1-151372130-C-T.
Other names: short protein forms R23C.
Identifiers: ClinVar variation 1992911 (VCV001992911.4), dbSNP rs761449014, ClinGen allele CA341919365.
Genomic context (GRCh38, chr1:151,399,654, plus strand): 5'-GCGTTTTTGGGGTCGCGGTCCGGACTTTGGGCGGGGGGTCCGGCCCCAGGACAGTTTTAC[C>T]GCATTCCGTCCACTCCCGATTCCTTCATGGATCCGGCGTCTGCACTTTACAGAGGTCCAA-3'
Protein context (NP_002787.2, residues 13-33): AGGPAPGQFY[Arg23Cys]IPSTPDSFMD

ClinVar aggregate classification (germline): Uncertain significance (1 of 4 stars; one submission).

Submission:

Labcorp Genetics (formerly Invitae), Labcorp
Classification: Uncertain significance. Last evaluated: 2022-05-18. Review status: criteria provided, single submitter. Criteria: Invitae Variant Classification Sherloc (09022015). Collection method: clinical testing. Allele origin: germline.
Comment: This sequence change replaces arginine, which is basic and polar, with cysteine, which is neutral and slightly polar, at codon 23 of the PSMB4 protein (p.Arg23Cys). This variant is not present in population databases (gnomAD no frequency). This variant has not been reported in the literature in individuals affected with PSMB4-related conditions. Algorithms developed to predict the effect of missense changes on protein structure and function (SIFT, PolyPhen-2, Align-GVGD) all suggest that this variant is likely to be tolerated. In summary, the available evidence is currently insufficient to determine the role of this variant in disease. Therefore, it has been classified as a Variant of Uncertain Significance.